The following is an entry in ClinVar:

NM_006766.5(KAT6A):c.383A>G (p.Gln128Arg)

Gene: KAT6A (lysine acetyltransferase 6A; minus strand). Cytogenetic location: 8p11.21.
Variant type: single nucleotide variant.
Coding change: c.383A>G on transcript NM_006766.5 (MANE Select); coding-DNA position 383, A replaced by G.
Protein change: p.Gln128Arg; replaces glutamine 128 with arginine.
Molecular consequence: missense variant.
Genome position (GRCh38, 1-based): chr8:42,048,595, T>C on the plus strand (A>G on the coding strand, the complement: KAT6A is on the minus strand). VCF-style: chr8-42048595-T-C. GRCh37 (hg19) VCF-style: chr8-41906113-T-C.
Other names: c.383A>G, p.Gln128Arg (NM_001305878.2); short protein forms Q128R.
Identifiers: ClinVar variation 4846825 (VCV004846825.1).

ClinVar aggregate classification (germline): Uncertain significance (1 of 4 stars; one submission).

Conditions:
Autosomal dominant intellectual disability-craniofacial anomalies-cardiac defects syndrome (ARTHS). Also called: Arboleda-Tham syndrome; Mental retardation, autosomal dominant 32; KAT6A syndrome. Identifiers: Orphanet 457193, MedGen C4225396, MONDO:0014558, OMIM 616268.

gnomAD v4.1: 1 of 1,614,234 alleles (0.000062%); highest among the groups gnomAD compares: Non-Finnish European, 0.000085%; no homozygotes.

Submission:

Laboratorio de Genetica e Diagnostico Molecular, Hospital Israelita Albert Einstein
Classification: Uncertain significance for Autosomal dominant intellectual disability-craniofacial anomalies-cardiac defects syndrome. Last evaluated: 2025-07-31. Review status: criteria provided, single submitter. Criteria: ACMG Guidelines, 2015. Collection method: clinical testing. Allele origin: germline. Affected: yes.
Comment: ACMG classification criteria: PM2 supporting, PP2 supporting, BP4 supporting